The following is an entry in ClinVar:

NM_152443.3(RDH12):c.782G>T (p.Gly261Val)

Genes: ZFYVE26 (zinc finger FYVE-type containing 26; minus strand), GPHN (gephyrin; plus strand), RDH12 (retinol dehydrogenase 12; plus strand). Cytogenetic location: 14q24.1.
Variant type: single nucleotide variant.
Coding change: c.782G>T on transcript NM_152443.3 (MANE Select); coding-DNA position 782, G replaced by T.
Protein change: p.Gly261Val; replaces glycine 261 with valine.
Molecular consequence: missense variant.
Genome position (GRCh38, 1-based): chr14:67,729,314, G>T. VCF-style: chr14-67729314-G-T. GRCh37 (hg19) VCF-style: chr14-68196031-G-T.
Other names: short protein forms G261V.
Identifiers: ClinVar variation 2122110 (VCV002122110.4), dbSNP rs2140150922, ClinGen allele CA390153124.

ClinVar aggregate classification (germline): Uncertain significance (1 of 4 stars; one submission).

Conditions:
Leber congenital amaurosis 13 (LCA13). Identifiers: MedGen C2675186, MONDO:0012990, OMIM 612712.

Submission:

Labcorp Genetics (formerly Invitae), Labcorp
Classification: Uncertain significance for Leber congenital amaurosis 13. Last evaluated: 2023-08-04. Review status: criteria provided, single submitter. Criteria: Invitae Variant Classification Sherloc (09022015). Collection method: clinical testing. Allele origin: germline.
Comment: In summary, the available evidence is currently insufficient to determine the role of this variant in disease. Therefore, it has been classified as a Variant of Uncertain Significance. Advanced modeling of protein sequence and biophysical properties (such as structural, functional, and spatial information, amino acid conservation, physicochemical variation, residue mobility, and thermodynamic stability) performed at Invitae indicates that this missense variant is expected to disrupt RDH12 protein function. ClinVar contains an entry for this variant (Variation ID: 2122110). This variant has not been reported in the literature in individuals affected with RDH12-related conditions. This variant is not present in population databases (gnomAD no frequency). This sequence change replaces glycine, which is neutral and non-polar, with valine, which is neutral and non-polar, at codon 261 of the RDH12 protein (p.Gly261Val).